The following is an entry in ClinVar:

NC_000020.11:g.(?_63433725)_(63433923_?)del

Gene: KCNQ2 (potassium voltage-gated channel subfamily Q member 2; minus strand). Cytogenetic location: 20q13.33.
Variant type: Deletion.
Identifiers: ClinVar variation 832655 (VCV000832655.6).

ClinVar aggregate classification (germline): Pathogenic (1 of 4 stars; one submission).

Conditions:
Developmental and epileptic encephalopathy. Identifiers: MedGen C5779964, MONDO:0100620.

Submission:

Labcorp Genetics (formerly Invitae), Labcorp
Classification: Pathogenic for Early-infantile DEE. Last evaluated: 2019-09-08. Review status: criteria provided, single submitter. Criteria: Invitae Variant Classification Sherloc (09022015). Collection method: clinical testing. Allele origin: germline.
Comment: For these reasons, this variant has been classified as Pathogenic. Loss-of-function variants in KCNQ2 are known to be pathogenic (PMID: 14534157, 23692823, 27779742). This variant has not been reported in the literature in individuals with KCNQ2-related conditions. This variant is an out-of-frame deletion of the genomic region encompassing exon 8 of the KCNQ2 gene. This is expected to create a premature translational stop signal and result in an absent or disrupted protein product.

Literature cited by the submitters: PubMed 14534157; PubMed 23692823; PubMed 27779742.